The following is an entry in ClinVar:

ClinVar aggregate classification (germline): Conflicting classifications of pathogenicity. Review status: criteria provided, conflicting classifications (1 of 4 stars). 7 submissions from 7 submitters: Uncertain significance (5); Likely benign (1). 1 of the submissions does not count toward it. Last evaluated 2025-11-20.

Conditions:
Hereditary spherocytosis type 4. Also called: SLC4A1-Related Spherocytosis. Identifiers: Orphanet 822, MedGen C2675212, MONDO:0012981, OMIM 612653.
Cryohydrocytosis. Also called: CRYOHYDROCYTOSIS DUE TO BAND 3 HEMEL; CRYOHYDROCYTOSIS DUE TO BAND 3 HURSTPIERPOINT; CRYOHYDROCYTOSIS DUE TO BAND 3 BLACKBURN; STOMATOCYTOSIS, COLD-SENSITIVE; Hereditary cryohydrocytosis with normal stomatin. Identifiers: Orphanet 398088, MedGen C1861453, MONDO:0008494, OMIM 185020.
Autosomal dominant distal renal tubular acidosis (DRTA1). Also called: RENAL TUBULAR ACIDOSIS, DISTAL, 1; RTA, CLASSIC TYPE; RTA, DISTAL TYPE, AUTOSOMAL DOMINANT; RTA, GRADIENT TYPE; Renal Tubular Acidosis, Type I. Identifiers: Orphanet 93608, MedGen CN280572, MONDO:0008368, OMIM 179800.
Renal tubular acidosis, distal, 4, with hemolytic anemia. Also called: Renal Tubular Acidosis, Distal, with Hemolytic Anemia. Identifiers: Orphanet 93610, MedGen C5436235, MONDO:0012700, OMIM 611590.
BLOOD GROUP--SWANN SYSTEM (SW). Also called: SWANN BLOOD GROUP. Identifiers: MedGen C1832169, OMIM 601550.
BLOOD GROUP, WALDNER (WD). Also called: WALDNER BLOOD GROUP ANTIGEN. Identifiers: MedGen C1862191, OMIM 112010.
BLOOD GROUP--FROESE (FR). Also called: FROESE BLOOD GROUP ANTIGEN. Identifiers: MedGen C1832168, OMIM 601551.
Southeast Asian ovalocytosis. Also called: HE, STOMATOCYTIC; Stomatocytic elliptocytosis, hereditary; Ovalocytosis, Malaysian-Melanesian-Filipino type; Elliptocytosis 4. Identifiers: Orphanet 98868, MedGen C1862322, MONDO:0008165, OMIM 166900.
Malaria, susceptibility to. Identifiers: Orphanet 673, MedGen C1970028, MONDO:0021024, OMIM 611162.
BLOOD GROUP--WRIGHT ANTIGEN (WR). Identifiers: MedGen C1862190, OMIM 112050.
BLOOD GROUP--DIEGO SYSTEM (DI). Identifiers: MedGen C1292286, OMIM 110500.

Allele frequency attached by ClinVar (database versions not stated): gnomAD exomes 0.00001 and 0.00002; 1000 Genomes Project 0.00040; ExAC 0.00006; TOPMed 0.00012; gnomAD 0.00013; 1000 Genomes Project 30x 0.00031.

Submissions (7):

Labcorp Genetics (formerly Invitae), Labcorp
Classification: Likely benign. Last evaluated: 2025-11-20. Review status: criteria provided, single submitter. Criteria: Invitae Variant Classification Sherloc (09022015). Collection method: clinical testing. Allele origin: germline.

Mayo Clinic Laboratories, Mayo Clinic
Classification: Uncertain significance. Last evaluated: 2025-06-17. Review status: criteria provided, single submitter. Criteria: ACMG Guidelines, 2015. Collection method: clinical testing. Allele origin: germline. Observed: 2 variant alleles.

GeneDx
Classification: Uncertain significance. Last evaluated: 2025-06-11. Review status: criteria provided, single submitter. Criteria: GeneDx Variant Classification Process June 2021. Collection method: clinical testing. Allele origin: germline. Affected: yes.
Comment: Reported with a variant on the opposite allele (in trans) in a patient with severe hereditary spherocytosis in published literature (PMID: 11380459); In silico analysis supports that this missense variant has a deleterious effect on protein structure/function; This variant is associated with the following publications: (PMID: 11380459, 32154456, 17690931)

Genomic Medicine Center of Excellence, King Faisal Specialist Hospital and Research Centre
Classification: Uncertain significance for Cryohydrocytosis. Last evaluated: 2024-03-29. Review status: criteria provided, single submitter. Criteria: ACMG Guidelines, 2015. Collection method: clinical testing. Allele origin: germline.

Fulgent Genetics
Classification: Uncertain significance for BLOOD GROUP--DIEGO SYSTEM; BLOOD GROUP, WALDNER; BLOOD GROUP--WRIGHT ANTIGEN; Southeast Asian ovalocytosis; Autosomal dominant distal renal tubular acidosis; Cryohydrocytosis; BLOOD GROUP--SWANN SYSTEM; BLOOD GROUP--FROESE; Malaria, susceptibility to; Renal tubular acidosis, distal, 4, with hemolytic anemia; Hereditary spherocytosis type 4. Last evaluated: 2024-02-10. Review status: criteria provided, single submitter. Criteria: ACMG Guidelines, 2015. Collection method: clinical testing. Allele origin: germline.

Revvity Omics, Revvity
Classification: Uncertain significance. Last evaluated: 2021-11-18. Review status: criteria provided, single submitter. Criteria: ACMG Guidelines, 2015. Collection method: clinical testing. Allele origin: germline.

OMIM
Classification: Pathogenic for SPHEROCYTOSIS, TYPE 4, DUE TO BAND 3 CAPE TOWN. Last evaluated: 2001-06-01. Review status: no assertion criteria provided. Collection method: literature only. Allele origin: germline. Not counted in ClinVar's aggregate classification.

Literature cited by the submitters: PubMed 11380459 (cited by Mayo Clinic Laboratories, Mayo Clinic and OMIM); PubMed 17690931 (cited by Mayo Clinic Laboratories, Mayo Clinic); PubMed 32154456 (cited by Mayo Clinic Laboratories, Mayo Clinic).

NM_000342.3(SLC4A1):c.268G>A (p.Glu90Lys)

Gene: SLC4A1 (solute carrier family 4 member 1 (Diego blood group); minus strand). Cytogenetic location: 17q21.31.
Variant type: single nucleotide variant.
Coding change: c.268G>A on transcript NM_000342.3; coding-DNA position 268, G replaced by A.
Protein change: p.Glu90Lys; replaces glutamic acid 90 with lysine.
Molecular consequence: missense variant (on NM_000342.4).
Genome position (GRCh38, 1-based): chr17:44,260,716, C>T on the plus strand (G>A on the coding strand, the complement: SLC4A1 is on the minus strand). VCF-style: chr17-44260716-C-T. GRCh37 (hg19) VCF-style: chr17-42338084-C-T.
Other names: c.268G>A, p.Glu90Lys (NM_000342.4); short protein forms E90K.
Identifiers: ClinVar variation 17775 (VCV000017775.10), dbSNP rs28929480, ClinGen allele CA127402.
Genomic context (GRCh38, chr17:44,260,716, plus strand): 5'-GCTCTAGGAGGCTCCAGAAGGTGAGGTGAGAGAGGTGCGGGCGGCCCCAGGCCCCATTCT[C>T]CCCCAGGTTCTCCTCCAGTTGCACCCAGCGCGCCGCCTCCATCCATCTCAGCTCCTGGTT-3'
Protein context (NP_000333.1, residues 80-100): RWVQLEENLG[Glu90Lys]NGAWGRPHLS